The following is an entry in ClinVar:

ClinVar aggregate classification (germline): Uncertain significance (1 of 4 stars; one submission).

gnomAD v4.1: 4 of 1,211,228 alleles (0.00033%); highest among the groups gnomAD compares: Middle Eastern, 0.069%; no homozygotes.

Submission:

CeGaT Center for Human Genetics Tuebingen
Classification: Uncertain significance. Last evaluated: 2023-10-01. Review status: criteria provided, single submitter. Criteria: CeGaT Center For Human Genetics Tuebingen Variant Classification Criteria Version 2. Collection method: clinical testing. Allele origin: germline. Affected: yes. Observed: 1 variant allele.
Comment: GPC4: PM2

NM_001448.3(GPC4):c.156C>G (p.Ile52Met)

Gene: GPC4 (glypican 4; minus strand). Cytogenetic location: Xq26.2.
Variant type: single nucleotide variant.
Coding change: c.156C>G on transcript NM_001448.3 (MANE Select); coding-DNA position 156, C replaced by G.
Protein change: p.Ile52Met; replaces isoleucine 52 with methionine.
Molecular consequence: missense variant.
Genome position (GRCh38, 1-based): chrX:133,414,810, G>C on the plus strand (C>G on the coding strand, the complement: GPC4 is on the minus strand). VCF-style: chrX-133414810-G-C. GRCh37 (hg19) VCF-style: chrX-132548838-G-C.
Other names: short protein forms I52M.
Identifiers: ClinVar variation 2661468 (VCV002661468.24), dbSNP rs1412463359, ClinGen allele CA414693303.